The following is an entry in ClinVar:

NM_015046.7(SETX):c.7516G>A (p.Ala2506Thr)

Gene: SETX (senataxin; minus strand). Cytogenetic location: 9q34.13.
Variant type: single nucleotide variant.
Coding change: c.7516G>A on transcript NM_015046.7 (MANE Select); coding-DNA position 7516, G replaced by A.
Protein change: p.Ala2506Thr; replaces alanine 2506 with threonine.
Molecular consequence: missense variant.
Genome position (GRCh38, 1-based): chr9:132,264,757, C>T on the plus strand (G>A on the coding strand, the complement: SETX is on the minus strand). VCF-style: chr9-132264757-C-T. GRCh37 (hg19) VCF-style: chr9-135140144-C-T.
Other names: c.7516G>A, p.Ala2506Thr (NM_001351527.2); c.7603G>A, p.Ala2535Thr (NM_001351528.2); short protein forms A2506T, A2535T.
Identifiers: ClinVar variation 586556 (VCV000586556.9), dbSNP rs1160553456, ClinGen allele CA375325052.

ClinVar aggregate classification (germline): Conflicting classifications of pathogenicity. Review status: criteria provided, conflicting classifications (1 of 4 stars). 3 submissions from 3 submitters: Uncertain significance (2); Benign (1). Last evaluated 2022-08-16.

Conditions:
Amyotrophic lateral sclerosis type 4 (ALS4). Also called: AMYOTROPHIC LATERAL SCLEROSIS 4, JUVENILE; NEURONOPATHY, DISTAL HEREDITARY MOTOR, WITH PYRAMIDAL FEATURES. Identifiers: Orphanet 357043, MedGen C1865409, MONDO:0011223, OMIM 602433.
Spinocerebellar ataxia, autosomal recessive, with axonal neuropathy 2 (SCAN2). Also called: Ataxia with Oculomotor Apraxia; Ataxia with Oculomotor Apraxia Type 2; ATAXIA-OCULOMOTOR APRAXIA 2; Ataxia-ocular apraxia-2. Identifiers: Orphanet 64753, MedGen C1853761, MONDO:0018996, OMIM 606002.

Allele frequency attached by ClinVar (database versions not stated): gnomAD exomes below 0.00001.
gnomAD v4.1: 7 of 1,614,192 alleles (0.00043%); highest among the groups gnomAD compares: South Asian, 0.0066%; no homozygotes.

Submissions (3):

Labcorp Genetics (formerly Invitae), Labcorp
Classification: Benign for Amyotrophic lateral sclerosis type 4; Spinocerebellar ataxia, autosomal recessive, with axonal neuropathy 2. Last evaluated: 2022-08-16. Review status: criteria provided, single submitter. Criteria: Invitae Variant Classification Sherloc (09022015). Collection method: clinical testing. Allele origin: germline.

Athena Diagnostics
Classification: Uncertain significance. Last evaluated: 2017-08-30. Review status: criteria provided, single submitter. Criteria: Athena Diagnostics Criteria. Collection method: clinical testing. Allele origin: germline.

Neuberg Centre For Genomic Medicine, NCGM
Classification: Uncertain significance for Spinocerebellar ataxia, autosomal recessive, with axonal neuropathy 2. Review status: criteria provided, single submitter. Criteria: ACMG Guidelines, 2015. Collection method: clinical testing. Allele origin: germline. Inheritance: Autosomal recessive inheritance. Affected: yes.
Comment: The missense variant c.7603G>A (p.Ala2535Thr) in SETX gene has not been reported previously as a pathogenic variant nor as a benign variant, to our knowledge. This variant has been reported to the ClinVar database as Uncertain Significance. The p.Ala2535Thr variant is novel (not in any individuals) in 1000 Genomes and allele frequency of 0.0003976% is reported in gnomAD. The amino acid Ala at position 2535 is changed to a Thr changing protein sequence and it might alter its composition and physico-chemical properties. In silico tools predict the variant to be tolerated. The residue is variable across species. For these reasons, this variant has been classified as Uncertain Significance .